The following is an entry in ClinVar:

NM_001394062.1(MACF1):c.16473C>A (p.His5491Gln)

Gene: MACF1 (microtubule actin crosslinking factor 1; plus strand). Cytogenetic location: 1p34.3.
Variant type: single nucleotide variant.
Coding change: c.16473C>A on transcript NM_001394062.1 (MANE Select); coding-DNA position 16473, C replaced by A.
Protein change: p.His5491Gln; replaces histidine 5491 with glutamine.
Molecular consequence: missense variant.
Genome position (GRCh38, 1-based): chr1:39,427,611, C>A. VCF-style: chr1-39427611-C-A. GRCh37 (hg19) VCF-style: chr1-39893283-C-A.
Other names: c.4869C>A, p.His1623Gln (NM_001397473.1); c.10287C>A, p.His3429Gln (NM_012090.5); short protein forms H1623Q, H3429Q, H5491Q.
Identifiers: ClinVar variation 4537956 (VCV004537956.1).

ClinVar aggregate classification (germline): Uncertain significance (1 of 4 stars; one submission).

gnomAD v4.1: 11 of 1,613,472 alleles (0.00068%); highest among the groups gnomAD compares: Admixed American, 0.018%; no homozygotes.

Submission:

GeneDx
Classification: Uncertain significance. Last evaluated: 2025-06-04. Review status: criteria provided, single submitter. Criteria: GeneDx Variant Classification Process June 2021. Collection method: clinical testing. Allele origin: germline. Affected: yes.
Comment: In silico analysis supports that this missense variant has a deleterious effect on protein structure/function; Has not been previously published as pathogenic or benign to our knowledge